The following is an entry in ClinVar:

NM_000153.4(GALC):c.1911+1_1911+5del

Gene: GALC (galactosylceramidase; minus strand). Cytogenetic location: 14q31.3.
Variant type: Deletion.
Coding change: c.1911+1_1911+5del on transcript NM_000153.4 (MANE Select); the canonical splice donor site of the intron after coding-DNA position 1911 through 5 bases into the intron after coding-DNA position 1911, 5 bases deleted (GTAAG; older notation c.1911+1_1911+5delGTAAG).
Molecular consequence: splice donor variant.
Genome position (GRCh38, 1-based): chr14:87,939,900-87,939,904, CTTAC deleted on the plus strand (GTAAG on the coding strand, the reverse complement: GALC is on the minus strand); deleting any 5 consecutive bases within chr14:87,939,900-87,939,908 gives the same sequence; the c. name uses the placement nearest the transcript's 3' end. VCF-style (leftmost placement, unchanged base first): chr14-87939899-ACTTAC-A. GRCh37 (hg19) VCF-style: chr14-88406243-ACTTAC-A.
Other names: c.1833+1_1833+5del (NM_001201402.2); c.1842+1_1842+5del (NM_001201401.2).
Identifiers: ClinVar variation 557290 (VCV000557290.7), dbSNP rs777955784, ClinGen allele CA7296873.

ClinVar aggregate classification (germline): Pathogenic. Review status: criteria provided, single submitter (1 of 4 stars). 2 submissions from 2 submitters: Pathogenic (1). 1 of the submissions does not count toward it. Last evaluated 2023-02-01.

Conditions:
Galactosylceramide beta-galactosidase deficiency. Also called: Krabbe Disease; GALACTOCEREBROSIDASE DEFICIENCY; GALC DEFICIENCY; GLOBOID CELL LEUKOENCEPHALOPATHY; Leukodystrophy, Globoid Cell. Identifiers: Orphanet 487, MedGen C0023521, MONDO:0009499, OMIM 245200.

Submissions (2):

Labcorp Genetics (formerly Invitae), Labcorp
Classification: Pathogenic for Galactosylceramide beta-galactosidase deficiency. Last evaluated: 2023-02-01. Review status: criteria provided, single submitter. Criteria: Invitae Variant Classification Sherloc (09022015). Collection method: clinical testing. Allele origin: germline.
Comment: This sequence change affects a splice site in intron 16 of the GALC gene. While this variant is not anticipated to result in nonsense mediated decay, it likely alters RNA splicing and results in a disrupted protein product. This variant is present in population databases (rs777955784, gnomAD 0.006%). Disruption of this splice site has been observed in individual(s) with Krabbe disease (PMID: 23462331). In at least one individual the data is consistent with being in trans (on the opposite chromosome) from a pathogenic variant. ClinVar contains an entry for this variant (Variation ID: 557290). Variants that disrupt the consensus splice site are a relatively common cause of aberrant splicing (PMID: 17576681, 9536098). Algorithms developed to predict the effect of sequence changes on RNA splicing suggest that this variant may disrupt the consensus splice site. For these reasons, this variant has been classified as Pathogenic.

Counsyl
Classification: Likely pathogenic for Galactosylceramide beta-galactosidase deficiency. Last evaluated: 2018-03-21. Review status: no assertion criteria provided. Collection method: clinical testing. Allele origin: unknown. Not counted in ClinVar's aggregate classification.

Literature cited by the submitters: PubMed 23462331 (cited by Labcorp Genetics (formerly Invitae), Labcorp and Counsyl); PubMed 17576681 (cited by Labcorp Genetics (formerly Invitae), Labcorp); PubMed 9536098 (cited by Labcorp Genetics (formerly Invitae), Labcorp).